The following is an entry in ClinVar:

NM_001292063.2(OTOG):c.4002C>T (p.Phe1334=)

Gene: OTOG (otogelin; plus strand). Cytogenetic location: 11p15.1.
Variant type: single nucleotide variant.
Coding change: c.4002C>T on transcript NM_001292063.2 (MANE Select); coding-DNA position 4002, C replaced by T.
Protein change: p.Phe1334=; no amino-acid change (phenylalanine 1334 retained).
Molecular consequence: synonymous variant.
Genome position (GRCh38, 1-based): chr11:17,605,981, C>T. VCF-style: chr11-17605981-C-T. GRCh37 (hg19) VCF-style: chr11-17627528-C-T.
Other names: c.4038C>T, p.Phe1346= (NM_001277269.2).
Identifiers: ClinVar variation 227776 (VCV000227776.17), dbSNP rs545896255, ClinGen allele CA5905794.
Genomic context (GRCh38, chr11:17,605,981, plus strand): 5'-CGGGTCTCTGGAGCTGGCTAAGTGGCAGGGCCGTGACACCTTCCAACAGCATGCCTCCTT[C>T]TTGCTGCACCGGGGGACACGGCAGGCAGGCCTGGTGGCCCTGGAGTCCCTGGCCAAGCCC-3'
Protein context (NP_001278992.1, residues 1324-1344): GRDTFQQHAS[Phe1334=]LLHRGTRQAG

ClinVar aggregate classification (germline): Benign/Likely benign. Review status: criteria provided, multiple submitters, no conflicts (2 of 4 stars). 5 submissions from 5 submitters: Benign (1); Likely benign (4). Last evaluated 2025-12-19.

Conditions:
Autosomal recessive nonsyndromic hearing loss 18B. Also called: Deafness, autosomal recessive 18b. Identifiers: Orphanet 90636, MedGen C3554163, MONDO:0013985, OMIM 614945.

Allele frequency attached by ClinVar (database versions not stated): gnomAD 0.00030 and 0.00032; TOPMed 0.00032; gnomAD exomes 0.00060; ExAC 0.00163.
gnomAD v4.1: 668 of 1,550,522 alleles (0.043%); highest among the groups gnomAD compares: Middle Eastern, 0.1%; 1 homozygote.

Submissions (5):

Labcorp Genetics (formerly Invitae), Labcorp
Classification: Benign. Last evaluated: 2025-12-19. Review status: criteria provided, single submitter. Criteria: Invitae Variant Classification Sherloc (09022015). Collection method: clinical testing. Allele origin: germline.

Blueprint Genetics
Classification: Likely benign. Last evaluated: 2024-10-29. Review status: criteria provided, single submitter. Criteria: ACMG Guidelines, 2015. Collection method: clinical testing. Allele origin: germline.

Fulgent Genetics
Classification: Likely benign for Autosomal recessive nonsyndromic hearing loss 18B. Last evaluated: 2021-07-30. Review status: criteria provided, single submitter. Criteria: ACMG Guidelines, 2015. Collection method: clinical testing. Allele origin: unknown.

GeneDx
Classification: Likely benign. Last evaluated: 2020-12-14. Review status: criteria provided, single submitter. Criteria: GeneDx Variant Classification Process June 2021. Collection method: clinical testing. Allele origin: germline. Affected: yes.

Laboratory for Molecular Medicine, Mass General Brigham Personalized Medicine
Classification: Likely benign. Last evaluated: 2016-01-06. Review status: criteria provided, single submitter. Criteria: LMM Criteria. Collection method: clinical testing. Allele origin: germline. Observed: 1 variant allele.
Comment: p.Phe1346Phe in exon 32 of OTOG: This variant is not expected to have clinical s ignificance because it does not alter an amino acid residue and is not located w ithin the splice consensus sequence. It has been identified in 0.25% (13/5256) o f European chromosomes and 0.16% (13/7662) of South Asian chromosomes by the Exo me Aggregation Consortium (ExAC; dbSNP rs5458962 55).